The following is an entry in ClinVar:

NM_020166.5(MCCC1):c.1257_1263del (p.Val420fs)

Gene: MCCC1 (methylcrotonyl-CoA carboxylase subunit 1; minus strand). Cytogenetic location: 3q27.1.
Variant type: Deletion.
Coding change: c.1257_1263del on transcript NM_020166.5 (MANE Select); coding-DNA positions 1257 to 1263, 7 bases deleted (AGTACGG; older notation c.1257_1263delAGTACGG).
Protein change: p.Val420fs; shifts the reading frame from valine 420.
Molecular consequence: frameshift variant. On other transcripts: non-coding transcript variant (2).
Genome position (GRCh38, 1-based): chr3:183,041,571-183,041,577, CCGTACT deleted on the plus strand (AGTACGG on the coding strand, the reverse complement: MCCC1 is on the minus strand); deleting any 7 consecutive bases within chr3:183,041,571-183,041,579 gives the same sequence; the c. name uses the placement nearest the transcript's 3' end. VCF-style (leftmost placement, unchanged base first): chr3-183041570-GCCGTACT-G. GRCh37 (hg19) VCF-style: chr3-182759358-GCCGTACT-G.
Other names: c.1257_1263del (NM_020166.4); c.1257_1263del7 (NM_020166.4); c.906_912del, p.Val303fs (NM_001293273.2); c.930_936del, p.Val311fs (NM_001363880.1); short protein forms V303fs, V311fs, V420fs.
Identifiers: ClinVar variation 573746 (VCV000573746.11), dbSNP rs1560224024, ClinGen allele CA548792471.

ClinVar aggregate classification (germline): Pathogenic/Likely pathogenic. Review status: criteria provided, multiple submitters, no conflicts (2 of 4 stars). 3 submissions from 3 submitters: Pathogenic (1); Likely pathogenic (2). Last evaluated 2025-04-07.

Conditions:
3-methylcrotonyl-CoA carboxylase 1 deficiency (MCC1D). Also called: MCCD TYPE 1; METHYLCROTONYLGLYCINURIA TYPE I; MCC 1 deficiency; 3 Alpha methylcrotonylglycinuria 1. Identifiers: Orphanet 6, MedGen CN028786, MONDO:0008861, OMIM 210200.
MCCC1-related disorder. Also called: MCCC1-related condition.

Submissions (3):

PreventionGenetics, part of Exact Sciences
Classification: Likely pathogenic for MCCC1-related condition. Last evaluated: 2025-04-07. Review status: criteria provided, single submitter. Criteria: ACMG Guidelines, 2015. Collection method: clinical testing. Allele origin: germline.
Comment: The MCCC1 c.1257_1263del7 variant is predicted to result in a frameshift and premature protein termination (p.Val420Lysfs*12). To our knowledge, this variant has not been reported in the literature. This variant is reported in 0.0062% of alleles in individuals of African descent in gnomAD. Frameshift variants in MCCC1 are expected to be pathogenic. Therefore, this variant is interpreted as likely pathogenic.

Baylor Genetics
Classification: Likely pathogenic for 3-methylcrotonyl-CoA carboxylase 1 deficiency. Last evaluated: 2024-01-07. Review status: criteria provided, single submitter. Criteria: ACMG Guidelines, 2015. Collection method: clinical testing. Allele origin: unknown.

Labcorp Genetics (formerly Invitae), Labcorp
Classification: Pathogenic for 3-methylcrotonyl-CoA carboxylase 1 deficiency. Last evaluated: 2021-04-23. Review status: criteria provided, single submitter. Criteria: Invitae Variant Classification Sherloc (09022015). Collection method: clinical testing. Allele origin: germline.
Comment: For these reasons, this variant has been classified as Pathogenic. Loss-of-function variants in MCCC1 are known to be pathogenic (PMID: 11181649, 15359379, 22642865). This variant has not been reported in the literature in individuals with MCCC1-related conditions. ClinVar contains an entry for this variant (Variation ID: 573746). This variant is not present in population databases (ExAC no frequency). This sequence change creates a premature translational stop signal (p.Val420Lysfs*12) in the MCCC1 gene. It is expected to result in an absent or disrupted protein product.

Literature cited by the submitters: PubMed 11181649 (cited by Labcorp Genetics (formerly Invitae), Labcorp); PubMed 15359379 (cited by Labcorp Genetics (formerly Invitae), Labcorp); PubMed 22642865 (cited by Labcorp Genetics (formerly Invitae), Labcorp).